The following is an entry in ClinVar:

NM_004370.6(COL12A1):c.8412G>C (p.Glu2804Asp)

Gene: COL12A1 (collagen type XII alpha 1 chain; minus strand). Cytogenetic location: 6q13.
Variant type: single nucleotide variant.
Coding change: c.8412G>C on transcript NM_004370.6 (MANE Select); coding-DNA position 8412, G replaced by C.
Protein change: p.Glu2804Asp; replaces glutamic acid 2804 with aspartic acid.
Molecular consequence: missense variant.
Genome position (GRCh38, 1-based): chr6:75,102,600, C>G on the plus strand (G>C on the coding strand, the complement: COL12A1 is on the minus strand). VCF-style: chr6-75102600-C-G. GRCh37 (hg19) VCF-style: chr6-75812316-C-G.
Other names: c.4920G>C, p.Glu1640Asp (NM_080645.3); short protein forms E1640D, E2804D.
Identifiers: ClinVar variation 1349448 (VCV001349448.6), dbSNP rs1768356411, ClinGen allele CA364739423.

ClinVar aggregate classification (germline): Uncertain significance (1 of 4 stars; one submission).

Conditions:
Ullrich congenital muscular dystrophy 2 (UCMD2). Identifiers: Orphanet 75840, MedGen C4225314, MONDO:0014654, OMIM 616470.
Bethlem myopathy 2 (BTHLM2). Identifiers: Orphanet 536516, Orphanet 610, MedGen C4225313, MONDO:0034022, OMIM 616471.

Allele frequency attached by ClinVar (database versions not stated): TOPMed below 0.00001.
gnomAD v4.1: 2 of 1,532,648 alleles (0.00013%); highest among the groups gnomAD compares: Non-Finnish European, 0.00018%; no homozygotes.

Submission:

Labcorp Genetics (formerly Invitae), Labcorp
Classification: Uncertain significance for Bethlem myopathy 2; Ullrich congenital muscular dystrophy 2. Last evaluated: 2021-08-19. Review status: criteria provided, single submitter. Criteria: Invitae Variant Classification Sherloc (09022015). Collection method: clinical testing. Allele origin: germline.
Comment: This variant is not present in population databases (ExAC no frequency). This variant has not been reported in the literature in individuals affected with COL12A1-related conditions. Algorithms developed to predict the effect of missense changes on protein structure and function are either unavailable or do not agree on the potential impact of this missense change (SIFT: "Tolerated"; PolyPhen-2: "Probably Damaging"; Align-GVGD: "Class C0"). In summary, the available evidence is currently insufficient to determine the role of this variant in disease. Therefore, it has been classified as a Variant of Uncertain Significance. This sequence change replaces glutamic acid with aspartic acid at codon 2804 of the COL12A1 protein (p.Glu2804Asp). The glutamic acid residue is highly conserved and there is a small physicochemical difference between glutamic acid and aspartic acid.